The following is an entry in ClinVar:

ClinVar aggregate classification (germline): Uncertain significance (1 of 4 stars; one submission).

Conditions:
FG syndrome (FGS). Identifiers: MedGen C0220769, MONDO:0002010.

Submission:

Labcorp Genetics (formerly Invitae), Labcorp
Classification: Uncertain significance for FG syndrome. Last evaluated: 2021-03-07. Review status: criteria provided, single submitter. Criteria: Invitae Variant Classification Sherloc (09022015). Collection method: clinical testing. Allele origin: germline.
Comment: This sequence change replaces histidine with asparagine at codon 2008 of the MED12 protein (p.His2008Asn). The histidine residue is highly conserved and there is a small physicochemical difference between histidine and asparagine. This variant is not present in population databases (ExAC no frequency). This variant has not been reported in the literature in individuals with MED12-related conditions. Advanced modeling of protein sequence and biophysical properties (such as structural, functional, and spatial information, amino acid conservation, physicochemical variation, residue mobility, and thermodynamic stability) performed at Invitae indicates that this missense variant is not expected to disrupt MED12 protein function. In summary, the available evidence is currently insufficient to determine the role of this variant in disease. Therefore, it has been classified as a Variant of Uncertain Significance.

NM_005120.3(MED12):c.6022C>A (p.His2008Asn)

Gene: MED12 (mediator complex subunit 12; plus strand). Cytogenetic location: Xq13.1.
Variant type: single nucleotide variant.
Coding change: c.6022C>A on transcript NM_005120.3 (MANE Select); coding-DNA position 6022, C replaced by A.
Protein change: p.His2008Asn; replaces histidine 2008 with asparagine.
Molecular consequence: missense variant.
Genome position (GRCh38, 1-based): chrX:71,137,921, C>A. VCF-style: chrX-71137921-C-A. GRCh37 (hg19) VCF-style: chrX-70357771-C-A.
Other names: short protein forms H2008N.
Identifiers: ClinVar variation 1434637 (VCV001434637.8), dbSNP rs2147831234, ClinGen allele CA413539582.